The following is an entry in ClinVar:

NM_030632.3(ASXL3):c.6062C>T (p.Pro2021Leu)

Gene: ASXL3 (ASXL transcriptional regulator 3; plus strand). Cytogenetic location: 18q12.1.
Variant type: single nucleotide variant.
Coding change: c.6062C>T on transcript NM_030632.3 (MANE Select); coding-DNA position 6062, C replaced by T.
Protein change: p.Pro2021Leu; replaces proline 2021 with leucine.
Molecular consequence: missense variant.
Genome position (GRCh38, 1-based): chr18:33,745,910, C>T. VCF-style: chr18-33745910-C-T. GRCh37 (hg19) VCF-style: chr18-31325874-C-T.
Other names: c.6062C>T (NM_030632.1); short protein forms P2021L.
Identifiers: ClinVar variation 3341882 (VCV003341882.17).

ClinVar aggregate classification (germline): Likely benign. Review status: criteria provided, multiple submitters, no conflicts (2 of 4 stars). 2 submissions from 2 submitters: Likely benign (2). Last evaluated 2025-08-07.

Conditions:
Inborn genetic diseases. Identifiers: MedGen C0950123, MeSH D030342.

gnomAD v4.1: 16 of 1,600,784 alleles (0.001%); highest among the groups gnomAD compares: East Asian, 0.0068%; no homozygotes.

Submissions (2):

Ambry Genetics
Classification: Likely benign for Inborn genetic diseases. Last evaluated: 2025-08-07. Review status: criteria provided, single submitter. Criteria: Ambry Variant Classification Scheme 2023. Collection method: clinical testing. Allele origin: germline.

CeGaT Center for Human Genetics Tuebingen
Classification: Likely benign. Last evaluated: 2024-08-01. Review status: criteria provided, single submitter. Criteria: CeGaT Center For Human Genetics Tuebingen Variant Classification Criteria Version 2. Collection method: clinical testing. Allele origin: germline. Affected: yes. Observed: 1 variant allele.
Comment: ASXL3: BP1